The following is an entry in ClinVar:

NC_000011.10:g.(?_108289592)_(108289811_?)del

Gene: ATM (ATM serine/threonine kinase; plus strand). Cytogenetic location: 11q22.3.
Variant type: Deletion.
Identifiers: ClinVar variation 663427 (VCV000663427.5).

ClinVar aggregate classification (germline): Pathogenic (1 of 4 stars; one submission).

Conditions:
Ataxia-telangiectasia syndrome (AT). Also called: Ataxia-telangiectasia, complementation group D; AT, COMPLEMENTATION GROUP C; Ataxia telangiectasia (A-T); Cerebello-oculocutaneous telangiectasia; Immunodeficiency with ataxia telangiectasia; ATAXIA-TELANGIECTASIA, COMPLEMENTATION GROUP A. Identifiers: Orphanet 100, MedGen C0004135, MONDO:0008840, OMIM 208900.

Submission:

Labcorp Genetics (formerly Invitae), Labcorp
Classification: Pathogenic for Ataxia-telangiectasia syndrome. Last evaluated: 2022-09-01. Review status: criteria provided, single submitter. Criteria: Invitae Variant Classification Sherloc (09022015). Collection method: clinical testing. Allele origin: germline.
Comment: This variant is a gross deletion of the genomic region encompassing exon(s) 29 of the ATM gene. This deletion is out-of-frame, and is expected to create a premature termination codon and result in an absent or disrupted protein product. Loss-of-function variants in ATM are known to be pathogenic (PMID: 23807571, 25614872). This variant has not been reported in the literature in individuals affected with ATM-related conditions. For these reasons, this variant has been classified as Pathogenic.

Literature cited by the submitters: PubMed 23807571; PubMed 25614872.